The following is an entry in ClinVar:

NM_002692.4(POLE2):c.1519T>C (p.Phe507Leu)

Gene: POLE2 (DNA polymerase epsilon 2, accessory subunit; minus strand). Cytogenetic location: 14q21.3.
Variant type: single nucleotide variant.
Coding change: c.1519T>C on transcript NM_002692.4 (MANE Select); coding-DNA position 1519, T replaced by C.
Protein change: p.Phe507Leu; replaces phenylalanine 507 with leucine.
Molecular consequence: missense variant.
Genome position (GRCh38, 1-based): chr14:49,647,339, A>G on the plus strand (T>C on the coding strand, the complement: POLE2 is on the minus strand). VCF-style: chr14-49647339-A-G. GRCh37 (hg19) VCF-style: chr14-50114057-A-G.
Other names: c.1441T>C, p.Phe481Leu (NM_001197330.2); c.1516T>C, p.Phe506Leu (NM_001348384.2); c.1288T>C, p.Phe430Leu (NM_001348385.2); short protein forms F506L, F507L, F430L, F481L.
Identifiers: ClinVar variation 3691763 (VCV003691763.2).
Genomic context (GRCh38, chr14:49,647,339, plus strand): 5'-GTGCACACACTTACCTATCTTCTACTGTCTTATTAGAAGGATAAAAAACTTTGAATGAAA[A>G]TCCACTTCTTGGAAAAGAGCCCTTTGGGGGAGAAAAATGCCTGTAAGTGAATGCTCAGAC-3'
Protein context (NP_002683.2, residues 497-517): INPGSFPRSG[Phe507Leu]SFKVFYPSNK

ClinVar aggregate classification (germline): Uncertain significance (1 of 4 stars; one submission).

Submission:

Labcorp Genetics (formerly Invitae), Labcorp
Classification: Uncertain significance. Last evaluated: 2024-09-03. Review status: criteria provided, single submitter. Criteria: Invitae Variant Classification Sherloc (09022015). Collection method: clinical testing. Allele origin: germline.
Comment: This sequence change replaces phenylalanine, which is neutral and non-polar, with leucine, which is neutral and non-polar, at codon 507 of the POLE2 protein (p.Phe507Leu). This variant is not present in population databases (gnomAD no frequency). This variant has not been reported in the literature in individuals affected with POLE2-related conditions. An algorithm developed to predict the effect of missense changes on protein structure and function (PolyPhen-2) suggests that this variant is likely to be disruptive. In summary, the available evidence is currently insufficient to determine the role of this variant in disease. Therefore, it has been classified as a Variant of Uncertain Significance.